The following is an entry in ClinVar:

ClinVar aggregate classification (germline): Likely pathogenic (1 of 4 stars; one submission).

Submission:

GeneDx
Classification: Likely pathogenic. Last evaluated: 2017-05-03. Review status: criteria provided, single submitter. Criteria: GeneDx Variant Classification (06012015). Collection method: clinical testing. Allele origin: germline. Affected: yes.
Comment: A variant that is likely pathogenic has been identified in the SCN8A gene. The I1627L variant has not been published as a pathogenic variant, nor has it been reported as a benign variant to our knowledge. The I1627L variant is not observed in large population cohorts (Lek et al., 2016; 1000 Genomes Consortium et al., 2015; Exome Variant Server). This substitution alters a conserved residue predicted to be within the transmembrane segment S4 voltage sensor of the fourth homologous domain. However, the I1627L variant is a conservative amino acid substitution, which is not likely to impact secondary protein structure as these residues share similar properties. In silico analysis is inconsistent in its predictions as to whether or not the variant is damaging to the protein structure/function. Therefore, this variant is likely pathogenic; however, the possibility that it is benign cannot be excluded.

NM_001330260.2(SCN8A):c.4879A>C (p.Ile1627Leu)

Gene: SCN8A (sodium voltage-gated channel alpha subunit 8; plus strand). Cytogenetic location: 12q13.13.
Variant type: single nucleotide variant.
Coding change: c.4879A>C on transcript NM_001330260.2 (MANE Select); coding-DNA position 4879, A replaced by C.
Protein change: p.Ile1627Leu; replaces isoleucine 1627 with leucine.
Molecular consequence: missense variant.
Genome position (GRCh38, 1-based): chr12:51,806,365, A>C. VCF-style: chr12-51806365-A-C. GRCh37 (hg19) VCF-style: chr12-52200149-A-C.
Other names: c.4756A>C, p.Ile1586Leu (NM_001177984.3, NM_001369788.1); c.4879A>C, p.Ile1627Leu (NM_014191.4); short protein forms I1627L, I1586L.
Identifiers: ClinVar variation 429498 (VCV000429498.2), dbSNP rs1131691414, ClinGen allele CA384880426.
Genomic context (GRCh38, chr12:51,806,365, plus strand): 5'-GAGAAATACTTTGTTTCCCCAACCCTATTCCGAGTCATCCGATTGGCCCGTATTGGGCGC[A>C]TCTTGCGTCTGATCAAAGGCGCCAAAGGGATTCGTACCCTGCTCTTTGCCTTAATGATGT-3'
Protein context (NP_001317189.1, residues 1617-1637): RVIRLARIGR[Ile1627Leu]LRLIKGAKGI